The following is an entry in ClinVar:

NM_000329.3(RPE65):c.706A>T (p.Lys236Ter)

Gene: RPE65 (retinoid isomerohydrolase RPE65; minus strand). Cytogenetic location: 1p31.3.
Variant type: single nucleotide variant.
Coding change: c.706A>T on transcript NM_000329.3 (MANE Select); coding-DNA position 706, A replaced by T.
Protein change: p.Lys236Ter; replaces lysine 236 with a stop codon.
Molecular consequence: nonsense.
Genome position (GRCh38, 1-based): chr1:68,439,580, T>A on the plus strand (A>T on the coding strand, the complement: RPE65 is on the minus strand). VCF-style: chr1-68439580-T-A. GRCh37 (hg19) VCF-style: chr1-68905263-T-A.
Other names: short protein forms K236*.
Identifiers: ClinVar variation 973963 (VCV000973963.10), dbSNP rs1645885900, ClinGen allele CA340745946.

ClinVar aggregate classification (germline): Pathogenic/Likely pathogenic. Review status: criteria provided, multiple submitters, no conflicts (2 of 4 stars). 4 submissions from 4 submitters: Pathogenic (2); Likely pathogenic (1). 1 of the submissions does not count toward it. Last evaluated 2025-05-08.

Conditions:
Leber congenital amaurosis (LCA). Also called: Leber's amaurosis. Identifiers: Orphanet 65, MedGen C0339527, MeSH D057130, MONDO:0018998.
Leber congenital amaurosis 2 (LCA2). Also called: AMAUROSIS CONGENITA OF LEBER II; Autosomal Recessive RPE65-Related Retinal Degeneration. Identifiers: Orphanet 65, MedGen C1859844, MONDO:0008765, OMIM 204100. Disease mechanism: loss of function.
RPE65-related recessive retinopathy. Also called: Recessive RPE65 retinopathy. Identifiers: MedGen CN305526, MONDO:0100368.
Retinitis pigmentosa 20 (RP20). Identifiers: Orphanet 791, MedGen C3151086, MONDO:0013425, OMIM 613794.

Submissions (4):

Natera, Inc.
Classification: Likely pathogenic for Leber congenital amaurosis. Last evaluated: 2025-05-08. Review status: criteria provided, single submitter. Criteria: Natera Variant Classification Schema (03/2026). Collection method: clinical testing. Allele origin: germline.
Comment: The c.706A>T variant in RPE65 is a nonsense variant predicted to introduce a stop codon at amino acid 236. This variant is expected to result in nonsense mediated decay, truncation, or a dysfunctional protein product. This variant is rare in the general population with a frequency below the threshold expected for the associated phenotype(s). Given the available evidence, this variant is classified as Likely Pathogenic.

Myriad Genetics, Inc.
Classification: Pathogenic for RPE65-related recessive retinopathy. Last evaluated: 2024-05-08. Review status: criteria provided, single submitter. Criteria: Myriad Autosomal Dominant, Autosomal Recessive and X-Linked Classification Criteria (2023). Collection method: clinical testing. Allele origin: unknown.
Comment: NM_000329.2(RPE65):c.706A>T(K236*) is expected to be pathogenic in the context of inherited retinal dystrophy, RPE65-related. This variant is predicted to lead to an abnormal or absent protein product due to the creation of a premature termination codon in RPE65, a gene where loss-of-function variants are known to be pathogenic. Please note: this variant was assessed in the context of healthy population screening.

Labcorp Genetics (formerly Invitae), Labcorp
Classification: Pathogenic for Leber congenital amaurosis 2; Retinitis pigmentosa 20. Last evaluated: 2023-09-21. Review status: criteria provided, single submitter. Criteria: Invitae Variant Classification Sherloc (09022015). Collection method: clinical testing. Allele origin: germline.
Comment: This sequence change creates a premature translational stop signal (p.Lys236*) in the RPE65 gene. It is expected to result in an absent or disrupted protein product. Loss-of-function variants in RPE65 are known to be pathogenic (PMID: 9326941, 9501220, 9843205, 18632300). For these reasons, this variant has been classified as Pathogenic. Algorithms developed to predict the effect of sequence changes on RNA splicing suggest that this variant may disrupt the consensus splice site. ClinVar contains an entry for this variant (Variation ID: 973963). This variant has not been reported in the literature in individuals affected with RPE65-related conditions. This variant is not present in population databases (gnomAD no frequency).

Laboratory of Genetics in Ophthalmology, Institut Imagine
Classification: Pathogenic for Leber congenital amaurosis 2. Review status: no assertion criteria provided. Collection method: research. Allele origin: inherited. Affected: yes. Observed: 1 variant allele. Not counted in ClinVar's aggregate classification.

Literature cited by the submitters: PubMed 9326941 (cited by Labcorp Genetics (formerly Invitae), Labcorp); PubMed 9501220 (cited by Labcorp Genetics (formerly Invitae), Labcorp); PubMed 9843205 (cited by Labcorp Genetics (formerly Invitae), Labcorp); PubMed 18632300 (cited by Labcorp Genetics (formerly Invitae), Labcorp).